The following is an entry in ClinVar:

ClinVar aggregate classification (germline): Uncertain significance. Review status: criteria provided, multiple submitters, no conflicts (2 of 4 stars). 3 submissions from 3 submitters: Uncertain significance (3). Last evaluated 2025-11-13.

Conditions:
Inborn genetic diseases. Identifiers: MedGen C0950123, MeSH D030342.
Congenital myasthenic syndrome 5. Identifiers: Orphanet 590, MedGen C1864233, MONDO:0011281, OMIM 603034.

Allele frequency attached by ClinVar (database versions not stated): gnomAD exomes 0.00005; gnomAD 0.00006; TOPMed 0.00007; ExAC 0.00008; ESP Exome Variant Server 0.00015.
gnomAD v4.1: 153 of 1,606,894 alleles (0.0095%); highest among the groups gnomAD compares: South Asian, 0.012%; no homozygotes.

Submissions (3):

Ambry Genetics
Classification: Uncertain significance for Inborn genetic diseases. Last evaluated: 2025-11-13. Review status: criteria provided, single submitter. Criteria: Ambry Variant Classification Scheme 2023. Collection method: clinical testing. Allele origin: germline.

Revvity Omics, Revvity
Classification: Uncertain significance for Congenital myasthenic syndrome 5. Last evaluated: 2024-03-14. Review status: criteria provided, single submitter. Criteria: ACMG Guidelines, 2015. Collection method: clinical testing. Allele origin: germline.

Labcorp Genetics (formerly Invitae), Labcorp
Classification: Uncertain significance for Congenital myasthenic syndrome 5. Last evaluated: 2017-03-07. Review status: criteria provided, single submitter. Criteria: Invitae Variant Classification Sherloc (09022015). Collection method: clinical testing. Allele origin: germline.
Comment: This sequence change replaces arginine with histidine at codon 402 of the COLQ protein (p.Arg402His). The arginine residue is highly conserved and there is a small physicochemical difference between arginine and histidine. This variant is present in population databases (rs140670616, ExAC 0.03%) but has not been reported in the literature in individuals with a COLQ-related disease. Algorithms developed to predict the effect of missense changes on protein structure and function do not agree on the potential impact of this missense change (SIFT: "Deleterious"; PolyPhen-2: "Unknown"; Align-GVGD: "Class C0"). In summary, this variant is a rare missense change with uncertain impact on protein function. There is no indication that it causes disease, but the available evidence is currently insufficient to prove that conclusively. Therefore, it has been classified as a Variant of Uncertain Significance.

NM_005677.4(COLQ):c.1205G>A (p.Arg402His)

Gene: COLQ (collagen like tail subunit of asymmetric acetylcholinesterase; minus strand). Cytogenetic location: 3p25.1.
Variant type: single nucleotide variant.
Coding change: c.1205G>A on transcript NM_005677.4 (MANE Select); coding-DNA position 1205, G replaced by A.
Protein change: p.Arg402His; replaces arginine 402 with histidine.
Molecular consequence: missense variant.
Genome position (GRCh38, 1-based): chr3:15,453,922, C>T on the plus strand (G>A on the coding strand, the complement: COLQ is on the minus strand). VCF-style: chr3-15453922-C-T. GRCh37 (hg19) VCF-style: chr3-15495429-C-T.
Other names: c.1175G>A, p.Arg392His (NM_080538.2); c.1103G>A, p.Arg368His (NM_080539.4); short protein forms R402H, R368H, R392H.
Identifiers: ClinVar variation 468342 (VCV000468342.3), dbSNP rs140670616, ClinGen allele CA2275828.